The following is an entry in ClinVar:

ClinVar aggregate classification (germline): Uncertain significance (1 of 4 stars; one submission).

Conditions:
Cardiovascular phenotype. Identifiers: MedGen CN230736.

Submission:

Ambry Genetics
Classification: Uncertain significance for Cardiovascular phenotype. Last evaluated: 2021-09-15. Review status: criteria provided, single submitter. Criteria: Ambry Variant Classification Scheme 2023. Collection method: clinical testing. Allele origin: germline.
Comment: The p.S786P variant (also known as c.2356T>C), located in coding exon 9 of the KCNH2 gene, results from a T to C substitution at nucleotide position 2356. The serine at codon 786 is replaced by proline, an amino acid with similar properties. This amino acid position is highly conserved in available vertebrate species. In addition, this alteration is predicted to be deleterious by in silico analysis. Since supporting evidence is limited at this time, the clinical significance of this alteration remains unclear.

NM_000238.4(KCNH2):c.2356T>C (p.Ser786Pro)

Gene: KCNH2 (potassium voltage-gated channel subfamily H member 2; minus strand). Cytogenetic location: 7q36.1.
Variant type: single nucleotide variant.
Coding change: c.2356T>C on transcript NM_000238.4 (MANE Select); coding-DNA position 2356, T replaced by C.
Protein change: p.Ser786Pro; replaces serine 786 with proline.
Molecular consequence: missense variant.
Genome position (GRCh38, 1-based): chr7:150,950,210, A>G on the plus strand (T>C on the coding strand, the complement: KCNH2 is on the minus strand). VCF-style: chr7-150950210-A-G. GRCh37 (hg19) VCF-style: chr7-150647298-A-G.
Other names: c.1336T>C, p.Ser446Pro (NM_001204798.2, NM_172057.3); c.2068T>C, p.Ser690Pro (NM_001406753.1, NM_001406756.1); c.2179T>C, p.Ser727Pro (NM_001406755.1); c.2056T>C, p.Ser686Pro (NM_001406757.1); c.2356T>C, p.Ser786Pro (NM_172056.3); short protein forms S446P, S727P, S690P, S786P, S686P.
Identifiers: ClinVar variation 1790081 (VCV001790081.2), dbSNP rs2486024837, ClinGen allele CA369856055.